The following is an entry in ClinVar:

NM_000245.4(MET):c.3684C>G (p.Asp1228Glu)

Gene: MET (MET proto-oncogene, receptor tyrosine kinase; plus strand). Cytogenetic location: 7q31.2.
Variant type: single nucleotide variant.
Coding change: c.3684C>G on transcript NM_000245.4 (MANE Select); coding-DNA position 3684, C replaced by G.
Protein change: p.Asp1228Glu; replaces aspartic acid 1228 with glutamic acid.
Molecular consequence: missense variant.
Genome position (GRCh38, 1-based): chr7:116,783,355, C>G. VCF-style: chr7-116783355-C-G. GRCh37 (hg19) VCF-style: chr7-116423409-C-G.
Other names: c.3738C>G, p.Asp1246Glu (NM_001127500.3); c.2394C>G, p.Asp798Glu (NM_001324402.2); short protein forms D1228E, D798E, D1246E.
Identifiers: ClinVar variation 1734439 (VCV001734439.2), dbSNP rs786201612, ClinGen allele CA368991575.

ClinVar aggregate classification (germline): Uncertain significance (1 of 4 stars; one submission).

Conditions:
Hereditary cancer-predisposing syndrome. Also called: Neoplastic Syndromes, Hereditary; Tumor predisposition; Hereditary Cancer Syndrome; Hereditary neoplastic syndrome. Identifiers: Orphanet 140162, MedGen C0027672, MeSH D009386, MONDO:0015356.

Submission:

Ambry Genetics
Classification: Uncertain significance for Hereditary cancer-predisposing syndrome. Last evaluated: 2022-06-20. Review status: criteria provided, single submitter. Criteria: Ambry Variant Classification Scheme 2023. Collection method: clinical testing. Allele origin: germline.
Comment: The p.D1246E variant (also known as c.3738C>G), located in coding exon 18 of the MET gene, results from a C to G substitution at nucleotide position 3738. The aspartic acid at codon 1246 is replaced by glutamic acid, an amino acid with highly similar properties. This amino acid position is conserved. In addition, this alteration is predicted to be deleterious by in silico analysis. Since supporting evidence is limited at this time, the clinical significance of this alteration remains unclear.